The following is an entry in ClinVar:

NM_016239.4(MYO15A):c.4549C>T (p.Gln1517Ter)

Gene: MYO15A (myosin XVA; plus strand). Cytogenetic location: 17p11.2.
Variant type: single nucleotide variant.
Coding change: c.4549C>T on transcript NM_016239.4 (MANE Select); coding-DNA position 4549, C replaced by T.
Protein change: p.Gln1517Ter; replaces glutamine 1517 with a stop codon.
Molecular consequence: nonsense.
Genome position (GRCh38, 1-based): chr17:18,135,777, C>T. VCF-style: chr17-18135777-C-T. GRCh37 (hg19) VCF-style: chr17-18039091-C-T.
Other names: c.4549C>T (NM_016239.3); short protein forms Q1517*.
Identifiers: ClinVar variation 2910414 (VCV002910414.5), dbSNP rs776173660, ClinGen allele CA8423933.

ClinVar aggregate classification (germline): Pathogenic/Likely pathogenic. Review status: criteria provided, multiple submitters, no conflicts (2 of 4 stars). 2 submissions from 2 submitters: Pathogenic (1); Likely pathogenic (1). Last evaluated 2026-07-23.

Allele frequency attached by ClinVar (database versions not stated): TOPMed below 0.00001; ExAC 0.00001; gnomAD exomes below 0.00001; gnomAD 0.00001.
gnomAD v4.1: 6 of 1,614,028 alleles (0.00037%); highest among the groups gnomAD compares: Non-Finnish European, 0.00051%; no homozygotes.

Submissions (2):

GeneDx
Classification: Likely pathogenic. Last evaluated: 2026-07-23. Review status: criteria provided, single submitter. Criteria: GeneDx Variant Classification Process June 2021. Collection method: clinical testing. Allele origin: germline.
Comment: Reported previously in an unaffected carrier; however, no further information was provided (PMID: 29754767); Nonsense variant predicted to result in protein truncation or nonsense mediated decay in a gene for which loss of function is a known mechanism of disease; Not observed at significant frequency in large population cohorts (gnomAD); This variant is associated with the following publications: (PMID: 29754767, 17546645)

Labcorp Genetics (formerly Invitae), Labcorp
Classification: Pathogenic. Last evaluated: 2025-03-18. Review status: criteria provided, single submitter. Criteria: Invitae Variant Classification Sherloc (09022015). Collection method: clinical testing. Allele origin: germline.
Comment: This sequence change creates a premature translational stop signal (p.Gln1517*) in the MYO15A gene. It is expected to result in an absent or disrupted protein product. Loss-of-function variants in MYO15A are known to be pathogenic (PMID: 17546645). This variant is not present in population databases (gnomAD no frequency). This variant has not been reported in the literature in individuals affected with MYO15A-related conditions. ClinVar contains an entry for this variant (Variation ID: 2910414). Algorithms developed to predict the effect of sequence changes on RNA splicing suggest that this variant may disrupt the consensus splice site. For these reasons, this variant has been classified as Pathogenic.

Literature cited by the submitters: PubMed 17546645 (cited by Labcorp Genetics (formerly Invitae), Labcorp).